The following is an entry in ClinVar:

ClinVar aggregate classification (germline): Pathogenic. Review status: criteria provided, multiple submitters, no conflicts (2 of 4 stars). 5 submissions from 5 submitters: Pathogenic (5). Last evaluated 2025-01-21.

Conditions:
Hereditary cancer-predisposing syndrome. Also called: Neoplastic Syndromes, Hereditary; Hereditary Cancer Syndrome; Tumor predisposition; Hereditary neoplastic syndrome. Identifiers: Orphanet 140162, MedGen C0027672, MeSH D009386, MONDO:0015356.
Familial adenomatous polyposis 1 (FAP1). Also called: POLYPOSIS, ADENOMATOUS INTESTINAL; FAMILIAL ADENOMATOUS POLYPOSIS 1, ATTENUATED. Identifiers: MedGen C2713442, MONDO:0021056, OMIM 175100. Disease mechanism: loss of function.

Submissions (5):

Ambry Genetics
Classification: Pathogenic for Hereditary cancer-predisposing syndrome. Last evaluated: 2025-01-21. Review status: criteria provided, single submitter. Criteria: Ambry Variant Classification Scheme 2023. Collection method: clinical testing. Allele origin: germline.
Comment: The c.3595_3596delAA pathogenic mutation, located in coding exon 15 of the APC gene, results from a deletion of two nucleotides at nucleotide positions 3595 to 3596, causing a translational frameshift with a predicted alternate stop codon (p.K1199Efs*8). This alteration occurs at the 3' terminus of theAPC gene, is not expected to trigger nonsense-mediated mRNA decay, and impacts the last 1645 amino acids of the protein. However, premature stop codons are typically deleterious in nature, the impacted region is critical for protein function, and a significant portion of the protein is affected (Ambry internal data). This mutation has been observed in multiple individuals with a personal and/or family history that is consistent with familial adenomatous polyposis or attenuated familial adenomatous polyposis (Mandl M et al. Hum Mol Genet, 1994 Jan;3:181-4; Kohoutov&aacute; M et al. Hum Mutat, 2002 Apr;19:460-1; Vandrovcov&aacute; J et al. Hum Mutat, 2004 Apr;23:397; Friedl W et al. Hered Cancer Clin Pract, 2005 Sep;3:95-114; Garz&oacute;n-Benavides M et al. Rev Esp Enferm Dig, 2010 Nov;102:653-7; Jarry J et al. Fam Cancer, 2011 Dec;10:659-65; Jung SM et al. World J Gastroenterol, 2016 May;22:4380-8; Marabelli M et al. Genet Test Mol Biomarkers, 2016 12;20:777-785; Ambry internal data). This variant is considered to be rare based on population cohorts in the Genome Aggregation Database (gnomAD). Based on the supporting evidence, this alteration is interpreted as a disease-causing mutation.

Myriad Genetics, Inc.
Classification: Pathogenic for Familial adenomatous polyposis 1. Last evaluated: 2023-05-09. Review status: criteria provided, single submitter. Criteria: Myriad Autosomal Dominant, Autosomal Recessive and X-Linked Classification Criteria (2023). Collection method: clinical testing. Allele origin: unknown.
Comment: This variant is considered pathogenic. This variant creates a frameshift predicted to result in premature protein truncation.

Labcorp Genetics (formerly Invitae), Labcorp
Classification: Pathogenic for Familial adenomatous polyposis 1. Last evaluated: 2023-03-03. Review status: criteria provided, single submitter. Criteria: Invitae Variant Classification Sherloc (09022015). Collection method: clinical testing. Allele origin: germline.
Comment: This premature translational stop signal has been observed in individual(s) with familial adenomatous polyposis (PMID: 7951218, 8162022, 11933206, 21779980). This variant is not present in population databases (gnomAD no frequency). This sequence change creates a premature translational stop signal (p.Lys1199Glufs*8) in the APC gene. While this is not anticipated to result in nonsense mediated decay, it is expected to disrupt the last 1645 amino acid(s) of the APC protein. ClinVar contains an entry for this variant (Variation ID: 219466). For these reasons, this variant has been classified as Pathogenic. A different truncation (p.Tyr2645Lysfs*14) that lies downstream of this variant has been determined to be pathogenic (PMID: 9824584, 1316610, 27081525, 8381579, 22135120, Invitae). This suggests that deletion of this region of the APC protein is causative of disease. This variant is expected to disrupt the EB1 and HDLG binding sites, which mediate interactions with the cytoskeleton (PMID: 15311282, 17293347). While functional studies have not been performed to directly test the effect on APC protein function, this suggests that disruption of the C-terminal portion of the protein is functionally important.

CeGaT Center for Human Genetics Tuebingen
Classification: Pathogenic. Last evaluated: 2022-11-01. Review status: criteria provided, single submitter. Criteria: CeGaT Center For Human Genetics Tuebingen Variant Classification Criteria Version 2. Collection method: clinical testing. Allele origin: germline. Affected: yes. Observed: 1 variant allele.
Comment: APC: PVS1, PP1:Strong, PM2, PS4:Supporting

Laboratorio de Genetica e Diagnostico Molecular, Hospital Israelita Albert Einstein
Classification: Pathogenic for Familial adenomatous polyposis 1. Last evaluated: 2021-11-11. Review status: criteria provided, single submitter. Criteria: ACMG Guidelines, 2015. Collection method: clinical testing. Allele origin: germline. Affected: yes.
Comment: ACMG classification criteria: PVS1 strong, PS4 strong, PM2, PP1 supporting

Literature cited by the submitters: PubMed 11933206 (cited by Ambry Genetics and Labcorp Genetics (formerly Invitae), Labcorp); PubMed 15024739 (cited by Ambry Genetics); PubMed 20223039 (cited by Ambry Genetics); PubMed 21142386 (cited by Ambry Genetics); PubMed 21779980 (cited by Ambry Genetics and Labcorp Genetics (formerly Invitae), Labcorp); PubMed 26684191 (cited by Ambry Genetics); PubMed 27158207 (cited by Ambry Genetics); PubMed 27705013 (cited by Ambry Genetics); PubMed 8162022 (cited by Ambry Genetics and Labcorp Genetics (formerly Invitae), Labcorp); PubMed 7951218 (cited by Labcorp Genetics (formerly Invitae), Labcorp); PubMed 9824584 (cited by Labcorp Genetics (formerly Invitae), Labcorp); PubMed 1316610 (cited by Labcorp Genetics (formerly Invitae), Labcorp); PubMed 27081525 (cited by Labcorp Genetics (formerly Invitae), Labcorp); PubMed 8381579 (cited by Labcorp Genetics (formerly Invitae), Labcorp); PubMed 22135120 (cited by Labcorp Genetics (formerly Invitae), Labcorp); PubMed 15311282 (cited by Labcorp Genetics (formerly Invitae), Labcorp); PubMed 17293347 (cited by Labcorp Genetics (formerly Invitae), Labcorp).

NM_000038.6(APC):c.3595_3596del (p.Lys1199fs)

Gene: APC (APC regulator of Wnt signaling pathway; plus strand). Cytogenetic location: 5q22.2.
Variant type: Deletion.
Coding change: c.3595_3596del on transcript NM_000038.6 (MANE Select); coding-DNA positions 3595 to 3596, 2 bases deleted (AA; older notation c.3595_3596delAA).
Protein change: p.Lys1199fs; shifts the reading frame from lysine 1199.
Molecular consequence: frameshift variant.
Genome position (GRCh38, 1-based): chr5:112,839,189-112,839,190, AA deleted; deleting any 2 consecutive bases within chr5:112,839,188-112,839,190 gives the same sequence; the c. name uses the placement nearest the transcript's 3' end. VCF-style (leftmost placement, unchanged base first): chr5-112839187-CAA-C. GRCh37 (hg19) VCF-style: chr5-112174884-CAA-C.
Other names: c.3595_3596del, p.Lys1199fs (NM_001127510.3, NM_001354895.2); c.3541_3542del, p.Lys1181fs (NM_001127511.3); c.3649_3650del, p.Lys1217fs (NM_001354896.2); c.3625_3626del, p.Lys1209fs (NM_001354897.2); c.3520_3521del, p.Lys1174fs (NM_001354898.2); c.3511_3512del, p.Lys1171fs (NM_001354899.2); c.3472_3473del, p.Lys1158fs (NM_001354900.2); c.3418_3419del, p.Lys1140fs (NM_001354901.2); and 6 more; short protein forms K1039fs, K1140fs, K1171fs, K1181fs, K1098fs, K1108fs, K1158fs, K1174fs.
Identifiers: ClinVar variation 219466 (VCV000219466.44), dbSNP rs864622106, ClinGen allele CA348347.